The following is an entry in ClinVar:

NM_000257.4(MYH7):c.4044G>A (p.Glu1348=)

Gene: MYH7 (myosin heavy chain 7; minus strand). Cytogenetic location: 14q11.2.
Variant type: single nucleotide variant.
Coding change: c.4044G>A on transcript NM_000257.4 (MANE Select); coding-DNA position 4044, G replaced by A.
Protein change: p.Glu1348=; no amino-acid change (glutamic acid 1348 retained).
Molecular consequence: synonymous variant.
Genome position (GRCh38, 1-based): chr14:23,418,335, C>T on the plus strand (G>A on the coding strand, the complement: MYH7 is on the minus strand). VCF-style: chr14-23418335-C-T. GRCh37 (hg19) VCF-style: chr14-23887544-C-T.
Identifiers: ClinVar variation 1135983 (VCV001135983.10), dbSNP rs1436990490, ClinGen allele CA485618584.

ClinVar aggregate classification (germline): Likely benign. Review status: criteria provided, multiple submitters, no conflicts (2 of 4 stars). 3 submissions from 3 submitters: Likely benign (3). Last evaluated 2025-10-06.

Conditions:
Cardiomyopathy (CMYO). Also called: Cardiomyopathies. Identifiers: Orphanet 167848, MedGen C0878544, MONDO:0004994, HP:0001638. Inheritance: Various modes of inheritance.
Hypertrophic cardiomyopathy. Also called: HYPERTROPHIC MYOCARDIOPATHY. Identifiers: Orphanet 217569, MedGen C0007194, MeSH D002312, MONDO:0005045, HP:0001639.

Allele frequency attached by ClinVar (database versions not stated): gnomAD exomes below 0.00001 and 0.00002; gnomAD 0.00001; TOPMed 0.00001.
gnomAD v4.1: 25 of 1,613,850 alleles (0.0015%); highest among the groups gnomAD compares: Non-Finnish European, 0.0019%; no homozygotes.

Submissions (3):

Labcorp Genetics (formerly Invitae), Labcorp
Classification: Likely benign for Hypertrophic cardiomyopathy. Last evaluated: 2025-10-06. Review status: criteria provided, single submitter. Criteria: Invitae Variant Classification Sherloc (09022015). Collection method: clinical testing. Allele origin: germline.

All of Us Research Program, National Institutes of Health
Classification: Likely benign for Cardiomyopathy. Last evaluated: 2023-02-24. Review status: criteria provided, single submitter. Criteria: ACMG Guidelines, 2015. Collection method: clinical testing. Allele origin: germline. Inheritance: Autosomal dominant inheritance. Observed: 1 variant allele, 1 heterozygote.
Comment: This study involves interpretation of variants in research participants for the purpose of population health screening. Participant phenotype was not available at the time of variant classification. Additional details can be found in publication PMID: 35346344, PMCID: PMC8962531

Color Diagnostics, LLC DBA Color Health
Classification: Likely benign for Cardiomyopathy. Last evaluated: 2022-12-08. Review status: criteria provided, single submitter. Criteria: ACMG Guidelines, 2015. Collection method: clinical testing. Allele origin: germline.